The following is an entry in ClinVar:

ClinVar aggregate classification (germline): Uncertain significance. Review status: criteria provided, multiple submitters, no conflicts (2 of 4 stars). 4 submissions from 4 submitters: Uncertain significance (4). Last evaluated 2025-11-07.

Conditions:
Hereditary cancer-predisposing syndrome. Also called: Hereditary neoplastic syndrome; Neoplastic Syndromes, Hereditary; Hereditary Cancer Syndrome; Tumor predisposition. Identifiers: Orphanet 140162, MedGen C0027672, MeSH D009386, MONDO:0015356.

Allele frequency attached by ClinVar (database versions not stated): gnomAD exomes below 0.00001 and 0.00002; TOPMed below 0.00001; ExAC 0.00001.
gnomAD v4.1: 25 of 1,607,534 alleles (0.0016%); highest among the groups gnomAD compares: Non-Finnish European, 0.002%; no homozygotes.

Submissions (4):

Quest Diagnostics Nichols Institute San Juan Capistrano
Classification: Uncertain significance. Last evaluated: 2025-11-07. Review status: criteria provided, single submitter. Criteria: Quest Diagnostics criteria. Collection method: clinical testing. Allele origin: unknown.
Comment: The XRCC2 c.811A>G (p.Ile271Val) variant has been reported in the published literature in individuals with breast cancer (PMID: 28779002 (2017), 33471991 (2021), see also LOVD). The frequency of this variant in the general population (Genome Aggregation Database) is uninformative in the assessment of its pathogenicity. Analysis of this variant using bioinformatics tools for the prediction of the effect of amino acid changes on protein structure and function yielded predictions that this variant is benign. Based on the available information, we are unable to determine the clinical significance of this variant.

Ambry Genetics
Classification: Uncertain significance for Hereditary cancer-predisposing syndrome. Last evaluated: 2025-10-01. Review status: criteria provided, single submitter. Criteria: Ambry Variant Classification Scheme 2023. Collection method: clinical testing. Allele origin: germline.
Comment: The p.I271V variant (also known as c.811A>G), located in coding exon 3 of the XRCC2 gene, results from an A to G substitution at nucleotide position 811. The isoleucine at codon 271 is replaced by valine, an amino acid with highly similar properties. In one study, this alteration was reported in 1/13087 breast cancer cases and 0/5488 control individuals in the UK (Decker B et al. J Med Genet, 2017 11;54:732-741). This amino acid position is poorly conserved in available vertebrate species. In addition, this alteration is predicted to be tolerated by in silico analysis. Since supporting evidence is limited at this time, the clinical significance of this alteration remains unclear.

Labcorp Genetics (formerly Invitae), Labcorp
Classification: Uncertain significance. Last evaluated: 2022-07-11. Review status: criteria provided, single submitter. Criteria: Invitae Variant Classification Sherloc (09022015). Collection method: clinical testing. Allele origin: germline.
Comment: This sequence change replaces isoleucine, which is neutral and non-polar, with valine, which is neutral and non-polar, at codon 271 of the XRCC2 protein (p.Ile271Val). This variant is present in population databases (rs587780132, gnomAD 0.0009%). This variant has not been reported in the literature in individuals affected with XRCC2-related conditions. ClinVar contains an entry for this variant (Variation ID: 127966). Algorithms developed to predict the effect of missense changes on protein structure and function output the following: SIFT: "Tolerated"; PolyPhen-2: "Benign"; Align-GVGD: "Class C0". The valine amino acid residue is found in multiple mammalian species, which suggests that this missense change does not adversely affect protein function. In summary, the available evidence is currently insufficient to determine the role of this variant in disease. Therefore, it has been classified as a Variant of Uncertain Significance.

GeneDx
Classification: Uncertain significance. Last evaluated: 2016-05-28. Review status: criteria provided, single submitter. Criteria: GeneDx Variant Classification (06012015). Collection method: clinical testing. Allele origin: germline. Affected: yes.
Comment: This variant is denoted XRCC2 c.811A>G at the cDNA level, p.Ile271Val (I271V) at the protein level, and results in the change of an Isoleucine to a Valine (ATT>GTT). This variant has not, to our knowledge, been published in the literature as pathogenic or benign. XRCC2 Ile271Val was not observed in approximately 6,500 individuals of European and African American ancestry in the NHLBI Exome Sequencing Project, suggesting it is not a common benign variant in these populations. Since Isoleucine and Valine share similar properties, this is considered a conservative amino acid substitution. XRCC2 Ile271Val occurs at a position that is not conserved and is located in the ATPase domain (Kim 2011). In silico analyses predict that this variant is unlikely to alter protein structure or function. Based on currently available information, it is unclear whether XRCC2 Ile271Val is pathogenic or benign. We consider it to be a variant of uncertain significance.

Literature cited by the submitters: PubMed 28779002 (cited by Quest Diagnostics Nichols Institute San Juan Capistrano and Ambry Genetics); PubMed 33471991 (cited by Quest Diagnostics Nichols Institute San Juan Capistrano).

NM_005431.2(XRCC2):c.811A>G (p.Ile271Val)

Gene: XRCC2 (X-ray repair cross complementing 2; minus strand). Cytogenetic location: 7q36.1.
Variant type: single nucleotide variant.
Coding change: c.811A>G on transcript NM_005431.2 (MANE Select); coding-DNA position 811, A replaced by G.
Protein change: p.Ile271Val; replaces isoleucine 271 with valine.
Molecular consequence: missense variant.
Genome position (GRCh38, 1-based): chr7:152,648,674, T>C on the plus strand (A>G on the coding strand, the complement: XRCC2 is on the minus strand). VCF-style: chr7-152648674-T-C. GRCh37 (hg19) VCF-style: chr7-152345759-T-C.
Other names: p.I271V:ATT>GTT; short protein forms I271V.
Identifiers: ClinVar variation 127966 (VCV000127966.18), dbSNP rs587780132, ClinGen allele CA288153.
Genomic context (GRCh38, chr7:152,648,674, plus strand): 5'-CCTGCAAAAGACTATTTTATGATGTATATCAACAAAATTCAACCCCACTTTCTCCAATAA[T>C]AAAAAAATGTTTTTTTAAACTGTTACTTTTTAAACAACGTGAAACTAATGAAAATTGGTT-3'
Protein context (NP_005422.1, residues 261-280): KSNSLKKHFF[Ile271Val]IGESGVEFC